The following is an entry in ClinVar:

ClinVar aggregate classification (germline): Benign/Likely benign. Review status: criteria provided, multiple submitters, no conflicts (2 of 4 stars). 2 submissions from 2 submitters: Benign (1); Likely benign (1). Last evaluated 2018-01-12.

Conditions:
Ehlers-Danlos syndrome, classic type (cEDS). Identifiers: Orphanet 287, MedGen C4225429, MONDO:0007522.

Allele frequency attached by ClinVar (database versions not stated): 1000 Genomes Project 0.02117; gnomAD 0.02164 and 0.02332; 1000 Genomes Project 30x 0.02389; TOPMed 0.02451.

Submissions (2):

Illumina Laboratory Services, Illumina
Classification: Benign for Ehlers-Danlos syndrome, classic type, 1. Last evaluated: 2018-01-12. Review status: criteria provided, single submitter. Criteria: ICSL Variant Classification Criteria 13 December 2019. Collection method: clinical testing. Allele origin: germline.
Comment: This variant was observed in the ICSL laboratory as part of a predisposition screen in an ostensibly healthy population. It had not been previously curated by ICSL or reported in the Human Gene Mutation Database (HGMD: prior to June 1st, 2018), and was therefore a candidate for classification through an automated scoring system. Utilizing variant allele frequency, disease prevalence and penetrance estimates, and inheritance mode, an automated score was calculated to assess if this variant is too frequent to cause the disease. Based on the score and internal cut-off values, a variant classified as benign is not then subjected to further curation. The score for this variant resulted in a classification of benign for this disease.

Breakthrough Genomics
Classification: Likely benign. Review status: criteria provided, single submitter. Criteria: ACMG Guidelines, 2015. Collection method: not provided. Allele origin: germline. Inheritance: Autosomal dominant inheritance. Affected: yes.

NM_000093.5(COL5A1):c.*1922G>A

Genes: COL5A1 (collagen type V alpha 1 chain; plus strand), LOC101448202 (uncharacterized LOC101448202; minus strand). Cytogenetic location: 9q34.3.
Variant type: single nucleotide variant.
Coding change: c.*1922G>A on transcript NM_000093.5 (MANE Select); 1922 bases downstream of the stop codon, G replaced by A.
Molecular consequence: 3 prime UTR variant.
Genome position (GRCh38, 1-based): chr9:134,844,225, G>A. VCF-style: chr9-134844225-G-A. GRCh37 (hg19) VCF-style: chr9-137736071-G-A.
Other names: c.*1922G>A (NM_001278074.1).
Identifiers: ClinVar variation 365786 (VCV000365786.8), dbSNP rs74979726, ClinGen allele CA10633202.